The following is an entry in ClinVar:

NM_000045.4(ARG1):c.679dup (p.Ile227fs)

Genes: ARG1 (arginase 1; plus strand), MED23 (mediator complex subunit 23; minus strand). Cytogenetic location: 6q23.2.
Variant type: Duplication.
Coding change: c.679dup on transcript NM_000045.4 (MANE Select); coding-DNA position 679, one base duplicated (A; older notation c.679dupA).
Protein change: p.Ile227fs; shifts the reading frame from isoleucine 227.
Molecular consequence: frameshift variant. On other transcripts: non-coding transcript variant (1), intron variant (2).
Genome position (GRCh38, 1-based): chr6:131,583,368, A duplicated; the last of 2 consecutive A bases (chr6:131,583,367-131,583,368); duplicating either gives the same sequence. VCF-style (leftmost placement, unchanged base first): chr6-131583366-C-CA. GRCh37 (hg19) VCF-style: chr6-131904506-C-CA.
Other names: c.703dup, p.Ile235fs (NM_001244438.2); c.424dup, p.Ile142fs (NM_001369020.1); c.4077+4342dup (NM_001270521.2); c.4095+4342dup (NM_015979.4); short protein forms I142fs, I227fs, I235fs.
Identifiers: ClinVar variation 2678306 (VCV002678306.1), dbSNP rs1774036379, ClinGen allele CA1094531321.

ClinVar aggregate classification (germline): Pathogenic/Likely pathogenic. Review status: criteria provided, multiple submitters, no conflicts (2 of 4 stars). 2 submissions from 2 submitters: Pathogenic (1); Likely pathogenic (1). Last evaluated 2025-12-14.

Conditions:
Arginase deficiency. Also called: ARGININEMIA; ARG1 DEFICIENCY; Arginase 1 Deficiency. Identifiers: Orphanet 90, MedGen C0268548, MONDO:0008814, OMIM 207800.

Submissions (2):

Labcorp Genetics (formerly Invitae), Labcorp
Classification: Pathogenic for Arginase deficiency. Last evaluated: 2025-12-14. Review status: criteria provided, single submitter. Criteria: Invitae Variant Classification Sherloc (09022015). Collection method: clinical testing. Allele origin: germline.
Comment: This sequence change creates a premature translational stop signal (p.Ile227Asnfs*6) in the ARG1 gene. It is expected to result in an absent or disrupted protein product. Loss-of-function variants in ARG1 are known to be pathogenic (PMID: 7649538, 12052859). This variant is not present in population databases (gnomAD no frequency). This variant has not been reported in the literature in individuals affected with ARG1-related conditions. ClinVar contains an entry for this variant (Variation ID: 2678306). For these reasons, this variant has been classified as Pathogenic.

Baylor Genetics
Classification: Likely pathogenic for Arginase deficiency. Last evaluated: 2022-08-10. Review status: criteria provided, single submitter. Criteria: ACMG Guidelines, 2015. Collection method: clinical testing. Allele origin: unknown.

Literature cited by the submitters: PubMed 7649538 (cited by Labcorp Genetics (formerly Invitae), Labcorp); PubMed 12052859 (cited by Labcorp Genetics (formerly Invitae), Labcorp).